The following is an entry in ClinVar:

ClinVar aggregate classification (germline): Uncertain significance. Review status: criteria provided, multiple submitters, no conflicts (2 of 4 stars). 2 submissions from 2 submitters: Uncertain significance (2). Last evaluated 2026-03-03.

Submissions (2):

Women's Health and Genetics/Laboratory Corporation of America, LabCorp
Classification: Uncertain significance. Last evaluated: 2026-03-03. Review status: criteria provided, single submitter. Criteria: LabCorp Variant Classification Summary - May 2015. Collection method: clinical testing. Allele origin: germline.
Comment: Variant summary: FAT4 c.9387_9389delTTC (p.Ser3130del) results in an in-frame deletion that is predicted to remove one amino acid from the encoded protein. The variant was absent in 250816 control chromosomes. The available data on variant occurrences in the general population are insufficient to allow any conclusion about variant significance. To our knowledge, no occurrence of c.9387_9389delTTC in individuals affected with FAT4-related conditions and no experimental evidence demonstrating its impact on protein function have been reported. ClinVar contains an entry for this variant (Variation ID: 2881340). Based on the evidence outlined above, the variant was classified as uncertain significance.

Labcorp Genetics (formerly Invitae), Labcorp
Classification: Uncertain significance. Last evaluated: 2023-03-20. Review status: criteria provided, single submitter. Criteria: Invitae Variant Classification Sherloc (09022015). Collection method: clinical testing. Allele origin: germline.
Comment: In summary, the available evidence is currently insufficient to determine the role of this variant in disease. Therefore, it has been classified as a Variant of Uncertain Significance. Experimental studies and prediction algorithms are not available or were not evaluated, and the functional significance of this variant is currently unknown. This variant has not been reported in the literature in individuals affected with FAT4-related conditions. This variant is not present in population databases (gnomAD no frequency). This variant, c.9387_9389del, results in the deletion of 1 amino acid(s) of the FAT4 protein (p.Ser3130del), but otherwise preserves the integrity of the reading frame.

NM_001291303.3(FAT4):c.9390TTC[1] (p.Ser3132del)

Gene: FAT4 (FAT atypical cadherin 4; plus strand). Cytogenetic location: 4q28.1.
Variant type: Microsatellite.
Coding change: c.9390TTC[1] on transcript NM_001291303.3 (MANE Select); one copy of the 3-base unit TTC starting at c.9390; the reference has two copies in a row; one copy, 3 bases deleted.
Protein change: p.Ser3132del; deletes serine 3132.
Molecular consequence: inframe deletion.
Genome position (GRCh38, 1-based): chr4:125,450,403-125,450,405, TTC deleted; deleting any 3 consecutive bases within chr4:125,450,400-125,450,405 gives the same sequence; the position shown is the placement nearest the transcript's 3' end. VCF-style (leftmost placement, unchanged base first): chr4-125450399-TTTC-T. GRCh37 (hg19) VCF-style: chr4-126371554-TTTC-T.
Other names: c.9390TTC[1], p.Ser3132del (NM_001291285.3); c.9384TTC[1], p.Ser3130del (NM_024582.6); c.9387_9389delTTC (NM_024582.6); short protein forms S3132del, S3130del.
Identifiers: ClinVar variation 2881340 (VCV002881340.2), dbSNP rs2530902925, ClinGen allele CA2672010808.